The following is an entry in ClinVar:

NM_001035.3(RYR2):c.2236C>T (p.Gln746Ter)

Gene: RYR2 (ryanodine receptor 2; plus strand). Cytogenetic location: 1q43.
Variant type: single nucleotide variant.
Coding change: c.2236C>T on transcript NM_001035.3 (MANE Select); coding-DNA position 2236, C replaced by T.
Protein change: p.Gln746Ter; replaces glutamine 746 with a stop codon.
Molecular consequence: nonsense.
Genome position (GRCh38, 1-based): chr1:237,500,743, C>T. VCF-style: chr1-237500743-C-T. GRCh37 (hg19) VCF-style: chr1-237664043-C-T.
Other names: c.2236C>T, p.Gln746Ter (LRG_402t1); short protein forms Q746*.
Identifiers: ClinVar variation 208396 (VCV000208396.3), dbSNP rs863223354, ClinGen allele CA279868.
Genomic context (GRCh38, chr1:237,500,743, plus strand): 5'-ACCTTCCTTAATGTTTTCCCCCCAATAGGTTGTATTGCTCGTACTGTAAGCTCACCAAAC[C>T]AACATCTGTTAAGAACTGATGATGTCATCAGTTGCTGTTTAGATCTGAGTGCCCCAAGCA-3'

ClinVar aggregate classification (germline): Likely pathogenic (1 of 4 stars; one submission).

Conditions:
Childhood-onset schizophrenia. Also called: Childhood schizophrenia. Identifiers: Orphanet 641496, MedGen C0036346, MONDO:0957430.

Submission:

Dr. Guy Rouleau's laboratory, McGill University
Classification: Likely pathogenic for Childhood Onset Schizophrenia. Last evaluated: 2014-01-01. Review status: criteria provided, single submitter. Criteria: Submitter's publication. Collection method: research. Allele origin: de novo. Affected: yes. Observed: 1 variant allele.
Comment: COS with PDD NOS, Asperger's Disorder, Separation Anxiety Disorder

; Identified by next generation sequencing and validated by Sanger sequencing